The following is an entry in ClinVar:

ClinVar aggregate classification (germline): Likely benign (0 of 4 stars; one submission).

Conditions:
HTR2C-related disorder. Also called: HTR2C-related condition.

Submission:

PreventionGenetics, part of Exact Sciences
Classification: Likely benign for HTR2C-related condition. Last evaluated: 2022-12-12. Review status: no assertion criteria provided. Collection method: clinical testing. Allele origin: germline.
Comment: This variant is classified as likely benign based on ACMG/AMP sequence variant interpretation guidelines (Richards et al. 2015 PMID: 25741868, with internal and published modifications).

NM_000868.4(HTR2C):c.891G>A (p.Arg297=)

Genes: HTR2C (5-hydroxytryptamine receptor 2C; plus strand), LOC126863306 (MED14-independent group 3 enhancer GRCh37_chrX:114140926-114142125; plus strand). Cytogenetic location: Xq23.
Variant type: single nucleotide variant.
Coding change: c.891G>A on transcript NM_000868.4 (MANE Select); coding-DNA position 891, G replaced by A.
Protein change: p.Arg297=; no amino-acid change (arginine 297 retained).
Molecular consequence: synonymous variant. On other transcripts: 3 prime UTR variant (1).
Genome position (GRCh38, 1-based): chrX:114,906,929, G>A. VCF-style: chrX-114906929-G-A. GRCh37 (hg19) VCF-style: chrX-114141492-G-A.
Other names: c.891G>A, p.Arg297= (NM_001256760.3); c.*49G>A (NM_001256761.3).
Identifiers: ClinVar variation 3354284 (VCV003354284.1).